The following is an entry in ClinVar:

NM_007214.5(SEC63):c.2122C>T (p.Gln708Ter)

Gene: SEC63 (SEC63 homolog, protein translocation regulator; minus strand). Cytogenetic location: 6q21.
Variant type: single nucleotide variant.
Coding change: c.2122C>T on transcript NM_007214.5 (MANE Select); coding-DNA position 2122, C replaced by T.
Protein change: p.Gln708Ter; replaces glutamine 708 with a stop codon.
Molecular consequence: nonsense.
Genome position (GRCh38, 1-based): chr6:107,872,825, G>A on the plus strand (C>T on the coding strand, the complement: SEC63 is on the minus strand). VCF-style: chr6-107872825-G-A. GRCh37 (hg19) VCF-style: chr6-108194029-G-A.
Other names: short protein forms Q708*.
Identifiers: ClinVar variation 1710555 (VCV001710555.2), dbSNP rs2481964966, ClinGen allele CA365328484.
Genomic context (GRCh38, chr6:107,872,825, plus strand): 5'-TTATACAGAAAACTCTTATTTATTGAAGAGTCACTATTCTTACCTTCAATGGTTTAATCT[G>A]ATCCAAACCCATATAGGAGTCTGATCTCAGAAACACAGTATACTGATAATTTCCAGGCTT-3'

ClinVar aggregate classification (germline): Uncertain significance (1 of 4 stars; one submission).

Submission:

GeneDx
Classification: Uncertain significance. Last evaluated: 2022-04-12. Review status: criteria provided, single submitter. Criteria: GeneDx Variant Classification Process June 2021. Collection method: clinical testing. Allele origin: germline. Affected: yes.
Comment: Nonsense variant predicted to result in protein truncation as the last 53 amino acids are lost, although loss-of-function variants have not been reported downstream of this position in the protein; Not observed at significant frequency in large population cohorts (gnomAD); Has not been previously published as pathogenic or benign to our knowledge